The following is an entry in ClinVar:

NM_001330723.2(SNX27):c.18G>A (p.Gly6=)

Genes: SNX27 (sorting nexin 27; plus strand), LOC129931442 (ATAC-STARR-seq lymphoblastoid silent region 1324; plus strand). Cytogenetic location: 1q21.3.
Variant type: single nucleotide variant.
Coding change: c.18G>A on transcript NM_001330723.2 (MANE Select); coding-DNA position 18, G replaced by A.
Protein change: p.Gly6=; no amino-acid change (glycine 6 retained).
Molecular consequence: synonymous variant.
Genome position (GRCh38, 1-based): chr1:151,612,219, G>A. VCF-style: chr1-151612219-G-A. GRCh37 (hg19) VCF-style: chr1-151584695-G-A.
Other names: c.18G>A, p.Gly6= (NM_030918.6).
Identifiers: ClinVar variation 531726 (VCV000531726.20), dbSNP rs551180149, ClinGen allele CA1093332.
Genomic context (GRCh38, chr1:151,612,219, plus strand): 5'-TTGGAGGCGTAGGGGGCGGGGGTACGGCTCGCCTGCTCGCAAGATGGCGGACGAGGACGG[G>A]GAAGGGATTCATCCCTCAGCCCCTCACAGGAACGGAGGTGGCGGCGGCGGCGGGGGGTCT-3'
Protein context (NP_001317652.1, residues 1-16): MADED[Gly6=]EGIHPSAPHR

ClinVar aggregate classification (germline): Benign/Likely benign. Review status: criteria provided, multiple submitters, no conflicts (2 of 4 stars). 3 submissions from 3 submitters: Benign (2); Likely benign (1). Last evaluated 2026-02-02.

Conditions:
Severe myoclonic epilepsy in infancy (DRVT). Also called: Dravet syndrome; Epileptic encephalopathy, early infantile, 6 (Dravet syndrome); DEVELOPMENTAL AND EPILEPTIC ENCEPHALOPATHY 6A; Severe Myoclonic Epilepsy in Infancy (SMEI); SEVERE MYOCLONIC EPILEPSY OF INFANCY. Identifiers: Orphanet 33069, MedGen C0751122, MONDO:0100135, OMIM 607208.

Allele frequency attached by ClinVar (database versions not stated): gnomAD exomes 0.00054; TOPMed 0.00234; gnomAD 0.00236; 1000 Genomes Project 0.00339; 1000 Genomes Project 30x 0.00359; ExAC 0.00613.
gnomAD v4.1: 626 of 1,371,998 alleles (0.046%); highest among the groups gnomAD compares: African/African-American, 0.79%; 2 homozygotes.

Submissions (3):

Labcorp Genetics (formerly Invitae), Labcorp
Classification: Benign for Severe myoclonic epilepsy in infancy. Last evaluated: 2026-02-02. Review status: criteria provided, single submitter. Criteria: Invitae Variant Classification Sherloc (09022015). Collection method: clinical testing. Allele origin: germline.

CeGaT Center for Human Genetics Tuebingen
Classification: Likely benign. Last evaluated: 2025-03-01. Review status: criteria provided, single submitter. Criteria: CeGaT Center For Human Genetics Tuebingen Variant Classification Criteria Version 2. Collection method: clinical testing. Allele origin: germline. Affected: yes. Observed: 1 variant allele.
Comment: SNX27: BP4, BP7

Breakthrough Genomics
Classification: Benign. Review status: criteria provided, single submitter. Criteria: ACMG Guidelines, 2015. Collection method: not provided. Allele origin: germline. Inheritance: Unknown mechanism. Affected: yes.